The following is an entry in ClinVar:

NM_201384.3(PLEC):c.4312C>T (p.Arg1438Trp)

Gene: PLEC (plectin; minus strand). Cytogenetic location: 8q24.3.
Variant type: single nucleotide variant.
Coding change: c.4312C>T on transcript NM_201384.3 (MANE Select); coding-DNA position 4312, C replaced by T.
Protein change: p.Arg1438Trp; replaces arginine 1438 with tryptophan.
Molecular consequence: missense variant.
Genome position (GRCh38, 1-based): chr8:143,925,617, G>A on the plus strand (C>T on the coding strand, the complement: PLEC is on the minus strand). VCF-style: chr8-143925617-G-A. GRCh37 (hg19) VCF-style: chr8-144999785-G-A.
Other names: c.4393C>T (NM_000445.3); c.4393C>T, p.Arg1465Trp (NM_000445.5); c.4270C>T, p.Arg1424Trp (NM_201378.4); c.4246C>T, p.Arg1416Trp (NM_201379.3); c.4723C>T, p.Arg1575Trp (NM_201380.4); c.4216C>T, p.Arg1406Trp (NM_201381.3); c.4312C>T, p.Arg1438Trp (NM_201382.4); c.4324C>T, p.Arg1442Trp (NM_201383.3); short protein forms R1465W, R1575W, R1406W, R1424W, R1442W, R1416W, R1438W.
Identifiers: ClinVar variation 944007 (VCV000944007.9), dbSNP rs531928668, ClinGen allele CA4926709.
Genomic context (GRCh38, chr8:143,925,617, plus strand): 5'-GCACCACGCGGATCTCCTCCTCGATGCGCAGCCGGCTGCGCTCAGCCGCCTCTGCCTGCC[G>A]GGCCTTGGCCTGGATCTCCGCCTCCGAGCTCTGCCGCAGCTGCTGCAGCTCCTCCTGAAT-3'
Protein context (NP_958786.1, residues 1428-1448): SSEAEIQAKA[Arg1438Trp]QAEAAERSRL

ClinVar aggregate classification (germline): Uncertain significance. Review status: criteria provided, multiple submitters, no conflicts (2 of 4 stars). 2 submissions from 2 submitters: Uncertain significance (2). Last evaluated 2025-11-26.

Conditions:
Epidermolysis bullosa simplex 5B, with muscular dystrophy (EBS5B). Also called: EPIDERMOLYSIS BULLOSA SIMPLEX AND LIMB-GIRDLE MUSCULAR DYSTROPHY; Epidermolysis bullosa simplex with muscular dystrophy. Identifiers: Orphanet 257, MedGen C2931072, MONDO:0009181, OMIM 226670.
Epidermolysis bullosa simplex with nail dystrophy (EBS5D). Identifiers: MedGen C4225309, MONDO:0014661, OMIM 616487.
Epidermolysis bullosa simplex, Ogna type (EBS5A). Also called: EPIDERMOLYSIS BULLOSA SIMPLEX 5A, OGNA TYPE; Pidermolysis bullosa simplex 5A, Ogna type. Identifiers: Orphanet 79401, MedGen C0432317, MONDO:0007555, OMIM 131950.
Autosomal recessive limb-girdle muscular dystrophy type 2Q (LGMDR17). Also called: MUSCULAR DYSTROPHY, LIMB-GIRDLE, AUTOSOMAL RECESSIVE 17. Identifiers: Orphanet 254361, MedGen C3150989, MONDO:0013390, OMIM 613723.
Epidermolysis bullosa simplex 5C, with pyloric atresia (EBS5C). Also called: Epidermolysis bullosa simplex with pyloric atresia; PLEC-Related Epidermolysis Bullosa with Pyloric Atresia; PLEC1-Related Epidermolysis Bullosa with Pyloric Atresia. Identifiers: Orphanet 158684, MedGen C2677349, MONDO:0012807, OMIM 612138.
Inborn genetic diseases. Identifiers: MedGen C0950123, MeSH D030342.

Allele frequency attached by ClinVar (database versions not stated): gnomAD exomes 0.00005 and 0.00010; gnomAD 0.00006 and 0.00007; TOPMed 0.00006; 1000 Genomes Project 30x 0.00016; 1000 Genomes Project 0.00020; ExAC 0.00020.
gnomAD v4.1: 82 of 1,582,622 alleles (0.0052%); highest among the groups gnomAD compares: East Asian, 0.082%; no homozygotes.

Submissions (2):

Ambry Genetics
Classification: Uncertain significance for Inborn genetic diseases. Last evaluated: 2025-11-26. Review status: criteria provided, single submitter. Criteria: Ambry Variant Classification Scheme 2023. Collection method: clinical testing. Allele origin: germline.

Labcorp Genetics (formerly Invitae), Labcorp
Classification: Uncertain significance for Autosomal recessive limb-girdle muscular dystrophy type 2Q; Epidermolysis bullosa simplex, Ogna type; Epidermolysis bullosa simplex with nail dystrophy; Epidermolysis bullosa simplex 5C, with pyloric atresia; Epidermolysis bullosa simplex 5B, with muscular dystrophy. Last evaluated: 2025-08-18. Review status: criteria provided, single submitter. Criteria: Invitae Variant Classification Sherloc (09022015). Collection method: clinical testing. Allele origin: germline.
Comment: This sequence change replaces arginine, which is basic and polar, with tryptophan, which is neutral and slightly polar, at codon 1465 of the PLEC protein (p.Arg1465Trp). This variant is present in population databases (rs531928668, gnomAD 0.1%). This variant has not been reported in the literature in individuals affected with PLEC-related conditions. ClinVar contains an entry for this variant (Variation ID: 944007). Invitae Evidence Modeling of protein sequence and biophysical properties (such as structural, functional, and spatial information, amino acid conservation, physicochemical variation, residue mobility, and thermodynamic stability) indicates that this missense variant is not expected to disrupt PLEC protein function with a negative predictive value of 80%. In summary, the available evidence is currently insufficient to determine the role of this variant in disease. Therefore, it has been classified as a Variant of Uncertain Significance.